The following is an entry in ClinVar:

NM_000059.4(BRCA2):c.9754_9765del (p.Ser3252_Gly3255del)

Gene: BRCA2 (BRCA2 DNA repair associated; plus strand). Cytogenetic location: 13q13.1.
Variant type: Deletion.
Coding change: c.9754_9765del on transcript NM_000059.4 (MANE Select); coding-DNA positions 9754 to 9765, 12 bases deleted (TCTTGTAAAGGG).
Protein change: p.Ser3252_Gly3255del.
Molecular consequence: inframe deletion.
Genome position (GRCh38, 1-based): chr13:32,398,267-32,398,278, TCTTGTAAAGGG deleted; deleting any 12 consecutive bases within chr13:32,398,266-32,398,278 gives the same sequence; the c. name uses the placement nearest the transcript's 3' end. VCF-style (leftmost placement, unchanged base first): chr13-32398265-AGTCTTGTAAAGG-A. GRCh37 (hg19) VCF-style: chr13-32972402-AGTCTTGTAAAGG-A.
Identifiers: ClinVar variation 1049379 (VCV001049379.1), dbSNP rs2137663534, ClinGen allele CA645586594.

ClinVar aggregate classification (germline): Uncertain significance (0 of 4 stars; one submission).

Submission:

Department of Pathology and Laboratory Medicine, Sinai Health System
Classification: Uncertain significance. Review status: no assertion criteria provided. Collection method: clinical testing. Allele origin: unknown. Affected: yes. Study: The Canadian Open Genetics Repository (COGR).
Comment: The BRCA2 p.Ser3252_Gly3255del variant was not identified in the literature nor was it identified in the following databases: dbSNP, ClinVar, LOVD 3.0, UMD-LSDB, the Exome Aggregation Consortium (August 8th 2016) or the Genome Aggregation Database (Feb 27, 2017). This variant is predicted to result in an in-frame deletion, leading to the removal of residues serine (Ser) at codon 3252 through to glycine (Gly) at codon 3255. This deletion occurs in the last exon of BRCA2 and is not located in a known functional domain; as a result, the impact of this alteration on BRCA2 protein function is not known and cannot be predicted. This variant is not located in a known consensus splice site and 4 of 4 in silico or computational prediction software programs (SpliceSiteFinder, MaxEntScan, NNSPLICE, GeneSplicer) do not predict a difference in splicing. In summary, based on the above information, the clinical significance of this variant cannot be determined with certainty at this time. This variant is classified as a variant of uncertain significance.